The following is an entry in ClinVar:

NM_000038.6(APC):c.7829G>T (p.Gly2610Val)

Gene: APC (APC regulator of Wnt signaling pathway; plus strand). Cytogenetic location: 5q22.2.
Variant type: single nucleotide variant.
Coding change: c.7829G>T on transcript NM_000038.6 (MANE Select); coding-DNA position 7829, G replaced by T.
Protein change: p.Gly2610Val; replaces glycine 2610 with valine.
Molecular consequence: missense variant.
Genome position (GRCh38, 1-based): chr5:112,843,423, G>T. VCF-style: chr5-112843423-G-T. GRCh37 (hg19) VCF-style: chr5-112179120-G-T.
Other names: c.7829G>T, p.Gly2610Val (NM_001127510.3, NM_001354895.2); c.7775G>T, p.Gly2592Val (NM_001127511.3); c.7883G>T, p.Gly2628Val (NM_001354896.2); c.7859G>T, p.Gly2620Val (NM_001354897.2); c.7754G>T, p.Gly2585Val (NM_001354898.2); c.7745G>T, p.Gly2582Val (NM_001354899.2); c.7706G>T, p.Gly2569Val (NM_001354900.2); c.7652G>T, p.Gly2551Val (NM_001354901.2); and 5 more; short protein forms G2592V, G2610V, G2327V, G2484V, G2509V, G2519V, G2551V, G2620V.
Identifiers: ClinVar variation 579935 (VCV000579935.18), dbSNP rs1561618546, ClinGen allele CA16038342.
Genomic context (GRCh38, chr5:112,843,423, plus strand): 5'-AACATGTGAACTCTATTTCAGGAACCAAACAAAGTAAAGAAAACCAAGTATCCGCAAAAG[G>T]AACATGGAGAAAAATAAAAGAAAATGAATTTTCTCCCACAAATAGTACTTCTCAGACCGT-3'
Protein context (NP_000029.2, residues 2600-2620): QSKENQVSAK[Gly2610Val]TWRKIKENEF

ClinVar aggregate classification (germline): Uncertain significance. Review status: criteria provided, multiple submitters, no conflicts (2 of 4 stars). 3 submissions from 3 submitters: Uncertain significance (3). Last evaluated 2025-12-01.

Conditions:
Hereditary cancer-predisposing syndrome. Also called: Neoplastic Syndromes, Hereditary; Tumor predisposition; Hereditary neoplastic syndrome; Hereditary Cancer Syndrome. Identifiers: Orphanet 140162, MedGen C0027672, MeSH D009386, MONDO:0015356.
Familial adenomatous polyposis 1 (FAP1). Also called: FAMILIAL ADENOMATOUS POLYPOSIS 1, ATTENUATED; POLYPOSIS, ADENOMATOUS INTESTINAL. Identifiers: MedGen C2713442, MONDO:0021056, OMIM 175100. Disease mechanism: loss of function.

Allele frequency attached by ClinVar (database versions not stated): gnomAD exomes below 0.00001.
gnomAD v4.1: 2 of 1,613,162 alleles (0.00012%); highest among the groups gnomAD compares: Non-Finnish European, 0.00017%; no homozygotes.

Submissions (3):

Labcorp Genetics (formerly Invitae), Labcorp
Classification: Uncertain significance for Familial adenomatous polyposis 1. Last evaluated: 2025-12-01. Review status: criteria provided, single submitter. Criteria: Invitae Variant Classification Sherloc (09022015). Collection method: clinical testing. Allele origin: germline.
Comment: This sequence change replaces glycine, which is neutral and non-polar, with valine, which is neutral and non-polar, at codon 2610 of the APC protein (p.Gly2610Val). This variant is not present in population databases (gnomAD no frequency). This variant has not been reported in the literature in individuals affected with APC-related conditions. ClinVar contains an entry for this variant (Variation ID: 579935). Invitae Evidence Modeling of protein sequence and biophysical properties (such as structural, functional, and spatial information, amino acid conservation, physicochemical variation, residue mobility, and thermodynamic stability) indicates that this missense variant is not expected to disrupt APC protein function with a negative predictive value of 95%. In summary, the available evidence is currently insufficient to determine the role of this variant in disease. Therefore, it has been classified as a Variant of Uncertain Significance.

Color Diagnostics, LLC DBA Color Health
Classification: Uncertain significance for Hereditary cancer-predisposing syndrome. Last evaluated: 2023-12-05. Review status: criteria provided, single submitter. Criteria: ACMG Guidelines, 2015. Collection method: clinical testing. Allele origin: germline.
Comment: This missense variant replaces glycine with valine at codon 2610 of the APC protein. Computational prediction suggests that this variant may not impact protein structure and function (internally defined REVEL score threshold <= 0.5, PMID: 27666373). To our knowledge, functional studies have not been reported for this variant. This variant has not been reported in individuals affected with APC-related disorders in the literature. This variant has not been identified in the general population by the Genome Aggregation Database (gnomAD). The available evidence is insufficient to determine the role of this variant in disease conclusively. Therefore, this variant is classified as a Variant of Uncertain Significance.

Ambry Genetics
Classification: Uncertain significance for Hereditary cancer-predisposing syndrome. Last evaluated: 2020-01-17. Review status: criteria provided, single submitter. Criteria: Ambry Variant Classification Scheme 2023. Collection method: clinical testing. Allele origin: germline.
Comment: The p.G2610V variant (also known as c.7829G>T), located in coding exon 15 of the APC gene, results from a G to T substitution at nucleotide position 7829. The glycine at codon 2610 is replaced by valine, an amino acid with dissimilar properties. This amino acid position is highly conserved in available vertebrate species. In addition, in silico predictors for this gene do not accurately predict pathogenicity. Since supporting evidence is limited at this time, the clinical significance of this alteration remains unclear.